The following is an entry in ClinVar:

ClinVar aggregate classification (germline): Uncertain significance. Review status: criteria provided, multiple submitters, no conflicts (2 of 4 stars). 2 submissions from 2 submitters: Uncertain significance (2). Last evaluated 2024-03-26.

Conditions:
Hereditary cancer-predisposing syndrome. Also called: Neoplastic Syndromes, Hereditary; Tumor predisposition; Hereditary Cancer Syndrome; Hereditary neoplastic syndrome. Identifiers: Orphanet 140162, MedGen C0027672, MeSH D009386, MONDO:0015356.
Oligodontia-cancer predisposition syndrome. Also called: TOOTH AGENESIS-COLORECTAL CANCER SYNDROME. Identifiers: Orphanet 300576, MedGen C1837750, MONDO:0012075, OMIM 608615. Disease mechanism: loss of function.

Submissions (2):

Labcorp Genetics (formerly Invitae), Labcorp
Classification: Uncertain significance for Oligodontia-cancer predisposition syndrome. Last evaluated: 2024-03-26. Review status: criteria provided, single submitter. Criteria: Invitae Variant Classification Sherloc (09022015). Collection method: clinical testing. Allele origin: germline.
Comment: This sequence change replaces proline, which is neutral and non-polar, with serine, which is neutral and polar, at codon 483 of the AXIN2 protein (p.Pro483Ser). This variant is not present in population databases (gnomAD no frequency). This variant has not been reported in the literature in individuals affected with AXIN2-related conditions. ClinVar contains an entry for this variant (Variation ID: 464549). An algorithm developed to predict the effect of missense changes on protein structure and function (PolyPhen-2) suggests that this variant is likely to be tolerated. In summary, the available evidence is currently insufficient to determine the role of this variant in disease. Therefore, it has been classified as a Variant of Uncertain Significance.

Ambry Genetics
Classification: Uncertain significance for Hereditary cancer-predisposing syndrome. Last evaluated: 2023-01-26. Review status: criteria provided, single submitter. Criteria: Ambry Variant Classification Scheme 2023. Collection method: clinical testing. Allele origin: germline.
Comment: The p.P483S variant (also known as c.1447C>T), located in coding exon 5 of the AXIN2 gene, results from a C to T substitution at nucleotide position 1447. The proline at codon 483 is replaced by serine, an amino acid with similar properties. This amino acid position is not well conserved in available vertebrate species. In addition, this alteration is predicted to be tolerated by in silico analysis. Since supporting evidence is limited at this time, the clinical significance of this alteration remains unclear.

NM_004655.4(AXIN2):c.1447C>T (p.Pro483Ser)

Gene: AXIN2 (axin 2; minus strand). Cytogenetic location: 17q24.1.
Variant type: single nucleotide variant.
Coding change: c.1447C>T on transcript NM_004655.4 (MANE Select); coding-DNA position 1447, C replaced by T.
Protein change: p.Pro483Ser; replaces proline 483 with serine.
Molecular consequence: missense variant.
Genome position (GRCh38, 1-based): chr17:65,537,589, G>A on the plus strand (C>T on the coding strand, the complement: AXIN2 is on the minus strand). VCF-style: chr17-65537589-G-A. GRCh37 (hg19) VCF-style: chr17-63533707-G-A.
Other names: c.1447C>T, p.Pro483Ser (NM_001363813.1); c.1447C>T (LRG_296t1); short protein forms P483S.
Identifiers: ClinVar variation 464549 (VCV000464549.10), dbSNP rs1555577827, ClinGen allele CA400677479.